The following is an entry in ClinVar:

ClinVar aggregate classification (germline): Pathogenic. Review status: reviewed by expert panel (3 of 4 stars). 15 submissions from 15 submitters: Pathogenic (1). 14 of the submissions do not count toward it. Last evaluated 2016-09-08.

Conditions:
Hereditary breast ovarian cancer syndrome. Also called: Hereditary breast and ovarian cancer syndrome; Hereditary breast and ovarian cancer; Hereditary breast and ovarian cancer syndrome (HBOC); Breast and ovarian cancer; Hereditary breast and/or ovarian cancer syndrome; BRCA1- and BRCA2-Associated Hereditary Breast and Ovarian Cancer. Identifiers: Orphanet 145, MedGen C0677776, MeSH D061325, MONDO:0003582. Disease mechanism: loss of function.
Hereditary cancer-predisposing syndrome. Also called: Neoplastic Syndromes, Hereditary; Tumor predisposition; Hereditary Cancer Syndrome; Hereditary neoplastic syndrome. Identifiers: Orphanet 140162, MedGen C0027672, MeSH D009386, MONDO:0015356.
Breast-ovarian cancer, familial, susceptibility to, 2 (BROVCA2). Also called: BRCA2 Hereditary Breast and Ovarian Cancer. Identifiers: Orphanet 145, MedGen C2675520, MONDO:0012933, OMIM 612555. Disease mechanism: loss of function.

Allele frequency attached by ClinVar (database versions not stated): gnomAD exomes below 0.00001 and 0.00001; ExAC 0.00001.

Submissions (15):

Evidence-based Network for the Interpretation of Germline Mutant Alleles (ENIGMA)
Classification: Pathogenic for Breast-ovarian cancer, familial, susceptibility to, 2. Last evaluated: 2016-09-08. Review status: reviewed by expert panel. Criteria: ENIGMA BRCA1/2 Classification Criteria (2015). Collection method: curation. Allele origin: germline.
Comment: Variant allele predicted to encode a truncated non-functional protein.

Center for Genomic Medicine, Rigshospitalet, Copenhagen University Hospital
Classification: Pathogenic. Last evaluated: 2025-12-29. Review status: criteria provided, single submitter. Criteria: ACMG Guidelines, 2015. Collection method: clinical testing. Allele origin: germline. Not counted in ClinVar's aggregate classification.

Clinical Genetics Laboratory, Skane University Hospital Lund
Classification: Pathogenic. Last evaluated: 2023-09-18. Review status: criteria provided, single submitter. Criteria: ACMG Guidelines, 2015. Collection method: clinical testing. Allele origin: germline. Affected: yes. Not counted in ClinVar's aggregate classification.

Ambry Genetics
Classification: Pathogenic for Hereditary cancer-predisposing syndrome. Last evaluated: 2023-09-13. Review status: criteria provided, single submitter. Criteria: Ambry Variant Classification Scheme 2023. Collection method: clinical testing. Allele origin: germline. Not counted in ClinVar's aggregate classification.
Comment: The c.4258delG pathogenic mutation is located in coding exon 10 of the BRCA2 gene. This results from a deletion of one nucleotide at nucleotide position 4258, causing a translational frameshift with a predicted alternate stop codon (p.D1420Ifs*28). This mutation has been reported in two unrelated Scandinavian families with histories of breast, cervical, and pancreatic cancers, as well as in tumor tissue from three unrelated males diagnosed with breast cancer (H&aring;kansson S et al. Am J Hum Genet. 1997 May;60(5):1068-78). The c.4258delG pathogenic mutation is commonly found in the Swedish population and has been reported as a Swedish founder mutation (Janaviius R. EPMA J. 2010 Sep;1(3):397-412). Of note, this mutation is also designated as 4486delG. In addition to the clinical data presented in the literature, this alteration is expected to result in loss of function by premature protein truncation or nonsense-mediated mRNA decay. As such, this alteration is interpreted as a disease-causing mutation.

Labcorp Genetics (formerly Invitae), Labcorp
Classification: Pathogenic for Hereditary breast ovarian cancer syndrome. Last evaluated: 2022-06-26. Review status: criteria provided, single submitter. Criteria: Invitae Variant Classification Sherloc (09022015). Collection method: clinical testing. Allele origin: germline. Not counted in ClinVar's aggregate classification.
Comment: For these reasons, this variant has been classified as Pathogenic. ClinVar contains an entry for this variant (Variation ID: 51617). This variant is also known as c.4486delG. This premature translational stop signal has been observed in individual(s) with breast cancer (PMID: 9150154). This variant is present in population databases (rs80359436, gnomAD 0.002%). This sequence change creates a premature translational stop signal (p.Asp1420Ilefs*28) in the BRCA2 gene. It is expected to result in an absent or disrupted protein product. Loss-of-function variants in BRCA2 are known to be pathogenic (PMID: 20104584).

Color Diagnostics, LLC DBA Color Health
Classification: Pathogenic for Hereditary cancer-predisposing syndrome. Last evaluated: 2022-03-09. Review status: criteria provided, single submitter. Criteria: ACMG Guidelines, 2015. Collection method: clinical testing. Allele origin: germline. Not counted in ClinVar's aggregate classification.
Comment: This variant deletes 1 nucleotide in exon 11 of the BRCA2 gene, creating a frameshift and premature translation stop signal. This variant is expected to result in an absent or non-functional protein product. This variant is a known Swedish founder mutation and has been reported in 5 individuals affected with breast cancer, including 3 male individuals, and has also been observed in unaffected individuals (PMID: 10615237, 11504767, 33471991). This variant has been identified in 19 families among the CIMBA participants (PMID: 29446198). This variant has been identified in 2/244196 chromosomes in the general population by the Genome Aggregation Database (gnomAD). Loss of BRCA2 function is a known mechanism of disease. Based on the available evidence, this variant is classified as Pathogenic.

ARUP Laboratories, Molecular Genetics and Genomics, ARUP Laboratories
Classification: Pathogenic. Last evaluated: 2018-08-06. Review status: criteria provided, single submitter. Criteria: ARUP Molecular Germline Variant Investigation Process. Collection method: clinical testing. Allele origin: germline. Not counted in ClinVar's aggregate classification.
Comment: The BRCA2 c.4258delG; p.Asp1420fs variant (rs80359436), also known as 4486delG, is reported in the literature in families with breast cancer (Hakansson 1997, Winter 2016), and is commonly found in the Swedish population (Janavicius 2010). This variant is reported as pathogenic by multiple laboratories in ClinVar (Variation ID: 51617), and is observed in the general population with a low overall allele frequency of 0.0008% (2/240284 alleles) in the Genome Aggregation Database. This variant deletes a single nucleotide causing a frameshift, and is predicted to result in a truncated protein or absent transcript. Based on the above information, this variant is considered pathogenic. REFERENCES Hakansson S et al. Moderate frequency of BRCA1 and BRCA2 germ-line mutations in Scandinavian familial breast cancer. Am J Hum Genet. 1997 May;60(5):1068-78. Janavicius R. Founder BRCA1/2 mutations in the Europe: implications for hereditary breast-ovarian cancer prevention and control. EPMA J. 2010 Sep;1(3):397-412. Winter C et al. Targeted sequencing of BRCA1 and BRCA2 across a large unselected breast cancer cohort suggests that one-third of mutations are somatic. Ann Oncol. 2016 Aug;27(8):1532-8.

GeneDx
Classification: Pathogenic. Last evaluated: 2017-07-05. Review status: criteria provided, single submitter. Criteria: GeneDx Variant Classification (06012015). Collection method: clinical testing. Allele origin: germline. Affected: yes. Not counted in ClinVar's aggregate classification.
Comment: This deletion of one nucleotide in BRCA2 is denoted c.4258delG at the cDNA level and p.Asp1420IlefsX28 (D1420IfsX28) at the protein level. The normal sequence, with the base that is deleted in brackets, is TAAAA[delG]ATTT. The deletion causes a frameshift which changes an Aspartic Acid to an Isoleucine at codon 1420, and creates a premature stop codon at position 28 of the new reading frame. This variant is predicted to cause loss of normal protein function through either protein truncation or nonsense-mediated mRNA decay. BRCA2 c.4258delG has been observed in association with breast cancer and is known to be a pathogenic founder variant in the Swedish population (Hakansson 1997, Haraldsson 1998, Loman 2001, Janavicius 2010). We consider this variant to be pathogenic.

Consortium of Investigators of Modifiers of BRCA1/2 (CIMBA), c/o University of Cambridge
Classification: Pathogenic for Breast-ovarian cancer, familial, susceptibility to, 2. Last evaluated: 2015-10-02. Review status: criteria provided, single submitter. Criteria: CIMBA Mutation Classification guidelines May 2016. Collection method: clinical testing. Allele origin: germline. Not counted in ClinVar's aggregate classification.

Department of Medical Genetics, Oslo University Hospital
Classification: Pathogenic for Breast-ovarian cancer, familial, susceptibility to, 2. Last evaluated: 2015-07-01. Review status: criteria provided, single submitter. Criteria: ACMG Guidelines, 2015. Collection method: clinical testing. Allele origin: germline. Affected: yes. Observed: 2 variant alleles. Not counted in ClinVar's aggregate classification.

BRCAlab, Lund University
Classification: Pathogenic for Breast-ovarian cancer, familial, susceptibility to, 2. Last evaluated: 2022-08-26. Review status: no assertion criteria provided. Collection method: clinical testing. Allele origin: germline. Affected: yes. Not counted in ClinVar's aggregate classification.

Counsyl
Classification: Likely pathogenic for Breast-ovarian cancer, familial 2. Last evaluated: 2014-10-20. Review status: no assertion criteria provided. Collection method: literature only. Allele origin: unknown. Inheritance: Autosomal dominant inheritance. Not counted in ClinVar's aggregate classification.

Research Molecular Genetics Laboratory, Women's College Hospital, University of Toronto
Classification: Pathogenic for Hereditary breast ovarian cancer syndrome. Last evaluated: 2014-01-31. Review status: no assertion criteria provided. Collection method: research. Allele origin: germline. Affected: yes. Study: The Canadian Open Genetics Repository (COGR). Not counted in ClinVar's aggregate classification.

Sharing Clinical Reports Project (SCRP)
Classification: Pathogenic for Breast-ovarian cancer, familial 2. Last evaluated: 2012-04-17. Review status: no assertion criteria provided. Collection method: clinical testing. Allele origin: germline. Not counted in ClinVar's aggregate classification.

Breast Cancer Information Core (BIC) (BRCA2)
Classification: Pathogenic for Breast-ovarian cancer, familial 2. Last evaluated: 2002-05-29. Review status: no assertion criteria provided. Collection method: clinical testing. Allele origin: germline. Affected: yes. Observed: 13 variant alleles. Not counted in ClinVar's aggregate classification.

Literature cited by the submitters: PubMed 9150154 (cited by Labcorp Genetics (formerly Invitae), Labcorp and Counsyl); PubMed 20104584 (cited by Labcorp Genetics (formerly Invitae), Labcorp); PubMed 10615237 (cited by Color Diagnostics, LLC DBA Color Health and Counsyl); PubMed 11504767 (cited by Color Diagnostics, LLC DBA Color Health and Counsyl); PubMed 29446198 (cited by Color Diagnostics, LLC DBA Color Health); PubMed 33471991 (cited by Color Diagnostics, LLC DBA Color Health); PubMed 9585613 (cited by Counsyl); PubMed 9537231 (cited by Counsyl); PubMed 15951958 (cited by Counsyl).

NM_000059.4(BRCA2):c.4258del (p.Asp1420fs)

Gene: BRCA2 (BRCA2 DNA repair associated; plus strand). Cytogenetic location: 13q13.1.
Variant type: Deletion.
Coding change: c.4258del on transcript NM_000059.4 (MANE Select); coding-DNA position 4258, one base deleted (G; older notation c.4258delG).
Protein change: p.Asp1420fs; shifts the reading frame from aspartic acid 1420.
Molecular consequence: frameshift variant.
Genome position (GRCh38, 1-based): chr13:32,338,613, G deleted. VCF-style (leftmost placement, unchanged base first): chr13-32338612-AG-A. GRCh37 (hg19) VCF-style: chr13-32912749-AG-A.
Other names: 4486delG; c.4258delG (NM_000059.3).
Identifiers: ClinVar variation 51617 (VCV000051617.48), dbSNP rs80359436, ClinGen allele CA019805.
Genomic context (GRCh38, chr13:32,338,612, plus strand): 5'-TCATGGTAATACTTCAAATAAAGAACAGTTAACTGCTACTAAAACGGAGCAAAATATAAA[AG>A]ATTTTGAGACTTCTGATACATTTTTTCAGACTGCAAGTGGGAAAAATATTAGTGTCGCCA-3'